The following is an entry in ClinVar:

NM_006231.4(POLE):c.5188G>C (p.Asp1730His)

Gene: POLE (DNA polymerase epsilon, catalytic subunit; minus strand). Cytogenetic location: 12q24.33.
Variant type: single nucleotide variant.
Coding change: c.5188G>C on transcript NM_006231.4 (MANE Select); coding-DNA position 5188, G replaced by C.
Protein change: p.Asp1730His; replaces aspartic acid 1730 with histidine.
Molecular consequence: missense variant.
Genome position (GRCh38, 1-based): chr12:132,641,837, C>G on the plus strand (G>C on the coding strand, the complement: POLE is on the minus strand). VCF-style: chr12-132641837-C-G. GRCh37 (hg19) VCF-style: chr12-133218423-C-G.
Other names: short protein forms D1730H.
Identifiers: ClinVar variation 1745892 (VCV001745892.7), dbSNP rs760583776, ClinGen allele CA6892598.

ClinVar aggregate classification (germline): Uncertain significance. Review status: criteria provided, multiple submitters, no conflicts (2 of 4 stars). 2 submissions from 2 submitters: Uncertain significance (2). Last evaluated 2026-01-14.

Conditions:
Hereditary cancer-predisposing syndrome. Also called: Hereditary Cancer Syndrome; Neoplastic Syndromes, Hereditary; Tumor predisposition; Hereditary neoplastic syndrome. Identifiers: Orphanet 140162, MedGen C0027672, MeSH D009386, MONDO:0015356.

Allele frequency attached by ClinVar (database versions not stated): gnomAD exomes below 0.00001; gnomAD 0.00001; TOPMed 0.00001; ExAC 0.00002.
gnomAD v4.1: 3 of 1,600,234 alleles (0.00019%); highest among the groups gnomAD compares: Admixed American, 0.005%; no homozygotes.

Submissions (2):

Labcorp Genetics (formerly Invitae), Labcorp
Classification: Uncertain significance. Last evaluated: 2026-01-14. Review status: criteria provided, single submitter. Criteria: Invitae Variant Classification Sherloc (09022015). Collection method: clinical testing. Allele origin: germline.
Comment: This sequence change replaces aspartic acid, which is acidic and polar, with histidine, which is basic and polar, at codon 1730 of the POLE protein (p.Asp1730His). This variant is present in population databases (rs760583776, gnomAD 0.009%). This variant has not been reported in the literature in individuals affected with POLE-related conditions. ClinVar contains an entry for this variant (Variation ID: 1745892). Invitae Evidence Modeling of protein sequence and biophysical properties (such as structural, functional, and spatial information, amino acid conservation, physicochemical variation, residue mobility, and thermodynamic stability) indicates that this missense variant is not expected to disrupt POLE protein function with a negative predictive value of 80%. In summary, the available evidence is currently insufficient to determine the role of this variant in disease. Therefore, it has been classified as a Variant of Uncertain Significance.

Ambry Genetics
Classification: Uncertain significance for Hereditary cancer-predisposing syndrome. Last evaluated: 2022-05-04. Review status: criteria provided, single submitter. Criteria: Ambry Variant Classification Scheme 2023. Collection method: clinical testing. Allele origin: germline.
Comment: The p.D1730H variant (also known as c.5188G>C), located in coding exon 39 of the POLE gene, results from a G to C substitution at nucleotide position 5188. The aspartic acid at codon 1730 is replaced by histidine, an amino acid with similar properties. This amino acid position is conserved. In addition, the in silico prediction for this alteration is inconclusive. Since supporting evidence is limited at this time, the clinical significance of this alteration remains unclear.